The following is an entry in ClinVar:

ClinVar aggregate classification (germline): Benign/Likely benign. Review status: criteria provided, multiple submitters, no conflicts (2 of 4 stars). 2 submissions from 2 submitters: Benign (1); Likely benign (1). Last evaluated 2024-06-19.

Conditions:
Familial cancer of breast. Also called: Hereditary breast cancer; hereditary breast carcinoma; BREAST CANCER, FAMILIAL. Identifiers: Orphanet 227535, MedGen C0346153, MONDO:0016419, OMIM 114480. Disease mechanism: loss of function.
Hereditary cancer-predisposing syndrome. Also called: Hereditary neoplastic syndrome; Neoplastic Syndromes, Hereditary; Tumor predisposition; Hereditary Cancer Syndrome. Identifiers: Orphanet 140162, MedGen C0027672, MeSH D009386, MONDO:0015356.

Allele frequency attached by ClinVar (database versions not stated): gnomAD exomes below 0.00001.
gnomAD v4.1: 2 of 1,613,910 alleles (0.00012%); highest among the groups gnomAD compares: Non-Finnish European, 0.00017%; no homozygotes.

Submissions (2):

Myriad Genetics, Inc.
Classification: Benign for Familial cancer of breast. Last evaluated: 2024-06-19. Review status: criteria provided, single submitter. Criteria: Myriad Autosomal Dominant, Autosomal Recessive and X-Linked Classification Criteria (2023). Collection method: clinical testing. Allele origin: unknown.
Comment: This variant is considered benign. This variant is a silent/synonymous amino acid change and it is not expected to impact splicing.

Ambry Genetics
Classification: Likely benign for Hereditary cancer-predisposing syndrome. Last evaluated: 2020-11-24. Review status: criteria provided, single submitter. Criteria: Ambry Variant Classification Scheme 2023. Collection method: clinical testing. Allele origin: germline.

NM_000051.4(ATM):c.8271G>A (p.Val2757=)

Genes: ATM (ATM serine/threonine kinase; plus strand), C11orf65 (chromosome 11 open reading frame 65; minus strand). Cytogenetic location: 11q22.3.
Variant type: single nucleotide variant.
Coding change: c.8271G>A on transcript NM_000051.4 (MANE Select); coding-DNA position 8271, G replaced by A.
Protein change: p.Val2757=; no amino-acid change (valine 2757 retained).
Molecular consequence: synonymous variant. On other transcripts: intron variant (2).
Genome position (GRCh38, 1-based): chr11:108,343,224, G>A. VCF-style: chr11-108343224-G-A. GRCh37 (hg19) VCF-style: chr11-108213951-G-A.
Other names: c.641-34153C>T (NM_001330368.2); c.695-7932C>T (NM_001351110.2); c.8271G>A, p.Val2757= (NM_001351834.2).
Identifiers: ClinVar variation 1762705 (VCV001762705.3), dbSNP rs906362400, ClinGen allele CA228364720.